The following is an entry in ClinVar:

NM_001256627.2(BRSK2):c.688C>T (p.Arg230Trp)

Gene: BRSK2 (BR serine/threonine kinase 2; plus strand). Cytogenetic location: 11p15.5.
Variant type: single nucleotide variant.
Coding change: c.688C>T on transcript NM_001256627.2 (MANE Select); coding-DNA position 688, C replaced by T.
Protein change: p.Arg230Trp; replaces arginine 230 with tryptophan.
Molecular consequence: missense variant. On other transcripts: non-coding transcript variant (1).
Genome position (GRCh38, 1-based): chr11:1,443,543, C>T. VCF-style: chr11-1443543-C-T. GRCh37 (hg19) VCF-style: chr11-1464773-C-T.
Other names: c.688C>T, p.Arg230Trp (NM_001440670.1, NM_003957.4, NM_001256629.2 and 3 more transcripts); c.508C>T, p.Arg170Trp (NM_001440671.1, NM_001440672.1, NM_001440673.1 and 5 more transcripts); c.826C>T, p.Arg276Trp (NM_001256630.1, NM_001440667.1); short protein forms R170W, R230W, R276W.
Identifiers: ClinVar variation 4849551 (VCV004849551.1).

ClinVar aggregate classification (germline): Uncertain significance (1 of 4 stars; one submission).

Conditions:
Autosomal dominant non-syndromic intellectual disability. Identifiers: Orphanet 178469, MedGen C5680502, MONDO:0015802.

Submission:

Department of Human Genetics, University Hospital Bern, Inselspital
Classification: Uncertain significance for Autosomal dominant non-syndromic intellectual disability. Last evaluated: 2026-05-03. Review status: criteria provided, single submitter. Criteria: ACMG Guidelines, 2015. Collection method: clinical testing. Allele origin: unknown. Affected: yes.
Comment: The missense variant affects a highly conserved amino acid in the important kinase domain and is predicted to have a damaging effect by AlphaMissense and PrimateAI-3D. The variant is reported 5x in gnomAD v4.1.0. In summary, criterion PP3_Supporting was used.

Literature cited by the submitters: PubMed 42509346.